The following is an entry in ClinVar:

NM_021927.3(GUF1):c.1489G>A (p.Ala497Thr)

Gene: GUF1 (GTP binding elongation factor GUF1; plus strand). Cytogenetic location: 4p12.
Variant type: single nucleotide variant.
Coding change: c.1489G>A on transcript NM_021927.3 (MANE Select); coding-DNA position 1489, G replaced by A.
Protein change: p.Ala497Thr; replaces alanine 497 with threonine.
Molecular consequence: missense variant.
Genome position (GRCh38, 1-based): chr4:44,691,675, G>A. VCF-style: chr4-44691675-G-A. GRCh37 (hg19) VCF-style: chr4-44693692-G-A.
Other names: c.517G>A, p.Ala173Thr (NM_001345867.2, NM_001345869.2); c.1489G>A, p.Ala497Thr (NM_001345868.2); short protein forms A173T, A497T.
Identifiers: ClinVar variation 1521752 (VCV001521752.8), dbSNP rs2109657473, ClinGen allele CA356764072.
Genomic context (GRCh38, chr4:44,691,675, plus strand): 5'-CAGTATTTGAGTAGGTTATCATTAAACCCATTTTCTTCCTTCCCTTTTTAGGCTCGAAGA[G>A]CAGTTCAGAAGAATATGATATTTATTGATCAAAATAGAGTTATGCTTAAATATCTCTTTC-3'
Protein context (NP_068746.2, residues 487-507): KIMMLCEARR[Ala497Thr]VQKNMIFIDQ

ClinVar aggregate classification (germline): Uncertain significance (1 of 4 stars; one submission).

Allele frequency attached by ClinVar (database versions not stated): gnomAD exomes 0.00001.
gnomAD v4.1: 3 of 1,587,148 alleles (0.00019%); highest among the groups gnomAD compares: East Asian, 0.0068%; no homozygotes.

Submission:

Labcorp Genetics (formerly Invitae), Labcorp
Classification: Uncertain significance. Last evaluated: 2021-04-09. Review status: criteria provided, single submitter. Criteria: Invitae Variant Classification Sherloc (09022015). Collection method: clinical testing. Allele origin: germline.
Comment: In summary, the available evidence is currently insufficient to determine the role of this variant in disease. Therefore, it has been classified as a Variant of Uncertain Significance. Algorithms developed to predict the effect of missense changes on protein structure and function are either unavailable or do not agree on the potential impact of this missense change (SIFT: "Deleterious"; PolyPhen-2: "Possibly Damaging"; Align-GVGD: "Class C0"). This variant has not been reported in the literature in individuals with GUF1-related conditions. This variant is not present in population databases (ExAC no frequency). This sequence change replaces alanine with threonine at codon 497 of the GUF1 protein (p.Ala497Thr). The alanine residue is moderately conserved and there is a small physicochemical difference between alanine and threonine.